The following is an entry in ClinVar:

ClinVar aggregate classification (germline): Uncertain significance (1 of 4 stars; one submission).

Conditions:
Neuroblastoma, susceptibility to, 3. Also called: ALK-Related Neuroblastic Tumor Susceptibility. Identifiers: Orphanet 635, MedGen C2751681, MONDO:0013083, OMIM 613014.

gnomAD v4.1: 3 of 1,614,170 alleles (0.00019%); highest among the groups gnomAD compares: South Asian, 0.0022%; no homozygotes.

Submission:

Labcorp Genetics (formerly Invitae), Labcorp
Classification: Uncertain significance for Neuroblastoma, susceptibility to, 3. Last evaluated: 2022-04-28. Review status: criteria provided, single submitter. Criteria: Invitae Variant Classification Sherloc (09022015). Collection method: clinical testing. Allele origin: germline.
Comment: In summary, the available evidence is currently insufficient to determine the role of this variant in disease. Therefore, it has been classified as a Variant of Uncertain Significance. Algorithms developed to predict the effect of missense changes on protein structure and function are either unavailable or do not agree on the potential impact of this missense change (SIFT: "Deleterious"; PolyPhen-2: "Possibly Damaging"; Align-GVGD: "Class C0"). This variant has not been reported in the literature in individuals affected with ALK-related conditions. This variant is present in population databases (rs771570579, gnomAD 0.003%). This sequence change replaces glycine, which is neutral and non-polar, with arginine, which is basic and polar, at codon 1552 of the ALK protein (p.Gly1552Arg).

NM_004304.5(ALK):c.4654G>A (p.Gly1552Arg)

Gene: ALK (ALK receptor tyrosine kinase; minus strand). Cytogenetic location: 2p23.2.
Variant type: single nucleotide variant.
Coding change: c.4654G>A on transcript NM_004304.5 (MANE Select); coding-DNA position 4654, G replaced by A.
Protein change: p.Gly1552Arg; replaces glycine 1552 with arginine.
Molecular consequence: missense variant.
Genome position (GRCh38, 1-based): chr2:29,193,433, C>T on the plus strand (G>A on the coding strand, the complement: ALK is on the minus strand). VCF-style: chr2-29193433-C-T. GRCh37 (hg19) VCF-style: chr2-29416299-C-T.
Other names: c.1450G>A, p.Gly484Arg (NM_001353765.2); short protein forms G1552R, G484R.
Identifiers: ClinVar variation 2025805 (VCV002025805.4), dbSNP rs771570579, ClinGen allele CA1593521.